The following is an entry in ClinVar:

NM_001035.3(RYR2):c.11890C>A (p.Gln3964Lys)

Gene: RYR2 (ryanodine receptor 2; plus strand). Cytogenetic location: 1q43.
Variant type: single nucleotide variant.
Coding change: c.11890C>A on transcript NM_001035.3 (MANE Select); coding-DNA position 11890, C replaced by A.
Protein change: p.Gln3964Lys; replaces glutamine 3964 with lysine.
Molecular consequence: missense variant.
Genome position (GRCh38, 1-based): chr1:237,781,574, C>A. VCF-style: chr1-237781574-C-A. GRCh37 (hg19) VCF-style: chr1-237944874-C-A.
Other names: short protein forms Q3964K.
Identifiers: ClinVar variation 3070638 (VCV003070638.1), dbSNP rs2527740182, ClinGen allele CA345410035.
Genomic context (GRCh38, chr1:237,781,574, plus strand): 5'-CTGCTGCATAGTTTTCTTGTATTATCTCAAATGCAATGTTCATATTTTCAGGATTCCAGT[C>A]AAATTGAGCTATTAAAAGAATTAATGGATCTGCAGAAGGATATGGTGGTCATGTTGCTGT-3'
Protein context (NP_001026.2, residues 3954-3974): MQMKLSQDSS[Gln3964Lys]IELLKELMDL

ClinVar aggregate classification (germline): Uncertain significance (1 of 4 stars; one submission).

Conditions:
Catecholaminergic polymorphic ventricular tachycardia (CVPT). Also called: Catecholamine-induced polymorphic ventricular tachycardia. Identifiers: Orphanet 3286, MedGen C5574922, MONDO:0017990.

Submission:

All of Us Research Program, National Institutes of Health
Classification: Uncertain significance for Catecholaminergic polymorphic ventricular tachycardia. Last evaluated: 2023-05-04. Review status: criteria provided, single submitter. Criteria: ACMG Guidelines, 2015. Collection method: clinical testing. Allele origin: germline. Inheritance: Autosomal dominant inheritance. Observed: 1 variant allele, 1 heterozygote.
Comment: This missense variant replaces glutamine with lysine at codon 3964 of the RYR2 protein. Computational prediction suggests that this variant may have deleterious impact on protein structure and function (internally defined REVEL score threshold >= 0.7, PMID: 27666373). To our knowledge, functional studies have not been reported for this variant. This variant has not been reported in individuals affected with RYR2-related disorders in the literature. This variant has not been identified in the general population by the Genome Aggregation Database (gnomAD). The available evidence is insufficient to determine the role of this variant in disease conclusively. Therefore, this variant is classified as a Variant of Uncertain Significance.

This study involves interpretation of variants in research participants for the purpose of population health screening. Participant phenotype was not available at the time of variant classification. Additional details can be found in publication PMID: 35346344, PMCID: PMC8962531